The following is an entry in ClinVar:

NM_207391.3(RGS9BP):c.578C>T (p.Pro193Leu)

Gene: RGS9BP (regulator of G protein signaling 9 binding protein; plus strand). Cytogenetic location: 19q13.11.
Variant type: single nucleotide variant.
Coding change: c.578C>T on transcript NM_207391.3 (MANE Select); coding-DNA position 578, C replaced by T.
Protein change: p.Pro193Leu; replaces proline 193 with leucine.
Molecular consequence: missense variant.
Genome position (GRCh38, 1-based): chr19:32,676,841, C>T. VCF-style: chr19-32676841-C-T. GRCh37 (hg19) VCF-style: chr19-33167747-C-T.
Other names: short protein forms P193L.
Identifiers: ClinVar variation 941052 (VCV000941052.8), dbSNP rs1258668364, ClinGen allele CA405187226.

ClinVar aggregate classification (germline): Uncertain significance. Review status: criteria provided, multiple submitters, no conflicts (2 of 4 stars). 2 submissions from 2 submitters: Uncertain significance (2). Last evaluated 2023-07-25.

Allele frequency attached by ClinVar (database versions not stated): gnomAD exomes below 0.00001 and 0.00001; TOPMed 0.00001.

Submissions (2):

Ambry Genetics
Classification: Uncertain significance. Last evaluated: 2023-07-25. Review status: criteria provided, single submitter. Criteria: Ambry Variant Classification Scheme 2023. Collection method: clinical testing. Allele origin: germline.

Labcorp Genetics (formerly Invitae), Labcorp
Classification: Uncertain significance. Last evaluated: 2022-10-13. Review status: criteria provided, single submitter. Criteria: Invitae Variant Classification Sherloc (09022015). Collection method: clinical testing. Allele origin: germline.
Comment: This sequence change replaces proline, which is neutral and non-polar, with leucine, which is neutral and non-polar, at codon 193 of the RGS9BP protein (p.Pro193Leu). This variant is present in population databases (no rsID available, gnomAD 0.01%). This variant has not been reported in the literature in individuals affected with RGS9BP-related conditions. ClinVar contains an entry for this variant (Variation ID: 941052). Algorithms developed to predict the effect of missense changes on protein structure and function (SIFT, PolyPhen-2, Align-GVGD) all suggest that this variant is likely to be tolerated. In summary, the available evidence is currently insufficient to determine the role of this variant in disease. Therefore, it has been classified as a Variant of Uncertain Significance.